The following is an entry in ClinVar:

NM_006904.7(PRKDC):c.6847A>G (p.Asn2283Asp)

Gene: PRKDC (protein kinase, DNA-activated, catalytic subunit; minus strand). Cytogenetic location: 8q11.21.
Variant type: single nucleotide variant.
Coding change: c.6847A>G on transcript NM_006904.7 (MANE Select); coding-DNA position 6847, A replaced by G.
Protein change: p.Asn2283Asp; replaces asparagine 2283 with aspartic acid.
Molecular consequence: missense variant.
Genome position (GRCh38, 1-based): chr8:47,854,129, T>C on the plus strand (A>G on the coding strand, the complement: PRKDC is on the minus strand). VCF-style: chr8-47854129-T-C. GRCh37 (hg19) VCF-style: chr8-48766690-T-C.
Other names: c.6847A>G, p.Asn2283Asp (NM_001081640.2); short protein forms N2283D.
Identifiers: ClinVar variation 3225899 (VCV003225899.1), dbSNP rs2551869256, ClinGen allele CA371158454.
Genomic context (GRCh38, chr8:47,854,129, plus strand): 5'-AAGCAAACACGTACTCGCTACTCTGGATGCCACACTGTGGGTCATAGGGAGGCAGGTCAT[T>C]GGCCATCACGATGCCTAGCAATTGAATCCCTACTGAGTTGTCTTTAGAATTAGGATCTTT-3'
Protein context (NP_008835.5, residues 2273-2293): GIQLLGIVMA[Asn2283Asp]DLPPYDPQCG

ClinVar aggregate classification (germline): Uncertain significance (1 of 4 stars; one submission).

Submission:

Ambry Genetics
Classification: Uncertain significance. Last evaluated: 2023-09-27. Review status: criteria provided, single submitter. Criteria: Ambry Variant Classification Scheme 2023. Collection method: clinical testing. Allele origin: germline.
Comment: The p.N2283D variant (also known as c.6847A>G), located in coding exon 51 of the PRKDC gene, results from an A to G substitution at nucleotide position 6847. The asparagine at codon 2283 is replaced by aspartic acid, an amino acid with highly similar properties. This amino acid position is conserved. In addition, this alteration is predicted to be tolerated by in silico analysis. Since supporting evidence is limited at this time, the clinical significance of this alteration remains unclear.